The following is an entry in ClinVar:

ClinVar aggregate classification (germline): Uncertain significance. Review status: criteria provided, multiple submitters, no conflicts (2 of 4 stars). 2 submissions from 2 submitters: Uncertain significance (2). Last evaluated 2024-12-14.

Conditions:
Inborn genetic diseases. Identifiers: MedGen C0950123, MeSH D030342.

Allele frequency attached by ClinVar (database versions not stated): gnomAD 0.00001; ExAC 0.00002; gnomAD exomes 0.00003 and 0.00005; TOPMed 0.00003; ESP Exome Variant Server 0.00008.
gnomAD v4.1: 79 of 1,613,708 alleles (0.0049%); highest among the groups gnomAD compares: Non-Finnish European, 0.0063%; no homozygotes.

Submissions (2):

Ambry Genetics
Classification: Uncertain significance for Inborn genetic diseases. Last evaluated: 2024-12-14. Review status: criteria provided, single submitter. Criteria: Ambry Variant Classification Scheme 2023. Collection method: clinical testing. Allele origin: germline.

Labcorp Genetics (formerly Invitae), Labcorp
Classification: Uncertain significance. Last evaluated: 2022-08-06. Review status: criteria provided, single submitter. Criteria: Invitae Variant Classification Sherloc (09022015). Collection method: clinical testing. Allele origin: germline.
Comment: In summary, the available evidence is currently insufficient to determine the role of this variant in disease. Therefore, it has been classified as a Variant of Uncertain Significance. Algorithms developed to predict the effect of missense changes on protein structure and function are either unavailable or do not agree on the potential impact of this missense change (SIFT: "Not Available"; PolyPhen-2: "Probably Damaging"; Align-GVGD: "Not Available"). ClinVar contains an entry for this variant (Variation ID: 1681938). This variant has not been reported in the literature in individuals affected with ADSSL1-related conditions. This variant is present in population databases (rs149832793, gnomAD 0.006%). This sequence change replaces arginine, which is basic and polar, with glutamine, which is neutral and polar, at codon 220 of the ADSSL1 protein (p.Arg220Gln).

NM_152328.5(ADSS1):c.530G>A (p.Arg177Gln)

Gene: ADSS1 (adenylosuccinate synthase 1; plus strand). Cytogenetic location: 14q32.33.
Variant type: single nucleotide variant.
Coding change: c.530G>A on transcript NM_152328.5 (MANE Select); coding-DNA position 530, G replaced by A.
Protein change: p.Arg177Gln; replaces arginine 177 with glutamine.
Molecular consequence: missense variant. On other transcripts: 5 prime UTR variant (1).
Genome position (GRCh38, 1-based): chr14:104,740,654, G>A. VCF-style: chr14-104740654-G-A. GRCh37 (hg19) VCF-style: chr14-105206991-G-A.
Other names: c.-86G>A (NM_001320424.1); c.659G>A, p.Arg220Gln (NM_199165.2); c.659G>A (NM_199165.1); short protein forms R177Q, R220Q.
Identifiers: ClinVar variation 1681938 (VCV001681938.7), dbSNP rs149832793, ClinGen allele CA7373731.